The following is an entry in ClinVar:

NM_002471.4(MYH6):c.5710G>C (p.Glu1904Gln)

Gene: MYH6 (myosin heavy chain 6; minus strand). Cytogenetic location: 14q11.2.
Variant type: single nucleotide variant.
Coding change: c.5710G>C on transcript NM_002471.4 (MANE Select); coding-DNA position 5710, G replaced by C.
Protein change: p.Glu1904Gln; replaces glutamic acid 1904 with glutamine.
Molecular consequence: missense variant.
Genome position (GRCh38, 1-based): chr14:23,382,514, C>G on the plus strand (G>C on the coding strand, the complement: MYH6 is on the minus strand). VCF-style: chr14-23382514-C-G. GRCh37 (hg19) VCF-style: chr14-23851723-C-G.
Other names: short protein forms E1904Q.
Identifiers: ClinVar variation 961717 (VCV000961717.9), dbSNP rs1057518591, ClinGen allele CA388981693.

ClinVar aggregate classification (germline): Uncertain significance (1 of 4 stars; one submission).

Conditions:
Hypertrophic cardiomyopathy 14. Identifiers: MedGen C2750467, MONDO:0013197, OMIM 613251.

Allele frequency attached by ClinVar (database versions not stated): gnomAD exomes 0.00001.
gnomAD v4.1: 11 of 1,614,170 alleles (0.00068%); highest among the groups gnomAD compares: Non-Finnish European, 0.00068%; no homozygotes.

Submission:

Labcorp Genetics (formerly Invitae), Labcorp
Classification: Uncertain significance for Hypertrophic cardiomyopathy 14. Last evaluated: 2019-11-07. Review status: criteria provided, single submitter. Criteria: Invitae Variant Classification Sherloc (09022015). Collection method: clinical testing. Allele origin: germline.
Comment: Algorithms developed to predict the effect of missense changes on protein structure and function are either unavailable or do not agree on the potential impact of this missense change (SIFT: "Deleterious"; PolyPhen-2: "Benign"; Align-GVGD: "Class C0"). This variant has not been reported in the literature in individuals with MYH6-related conditions. This variant is not present in population databases (ExAC no frequency). This sequence change replaces glutamic acid with glutamine at codon 1904 of the MYH6 protein (p.Glu1904Gln). The glutamic acid residue is moderately conserved and there is a small physicochemical difference between glutamic acid and glutamine. In summary, the available evidence is currently insufficient to determine the role of this variant in disease. Therefore, it has been classified as a Variant of Uncertain Significance.